The following is an entry in ClinVar:

ClinVar aggregate classification (germline): Uncertain significance (1 of 4 stars; one submission).

Conditions:
Pulmonary fibrosis and/or bone marrow failure, Telomere-related, 3. Also called: PULMONARY FIBROSIS AND/OR BONE MARROW FAILURE SYNDROME, TELOMERE-RELATED, 3. Identifiers: Orphanet 2032, MedGen C4225346, MONDO:0014613, OMIM 616373.
Dyskeratosis congenita, autosomal recessive 5 (DKCB5). Identifiers: MedGen C3554656, MONDO:0014076, OMIM 615190.

Submission:

Labcorp Genetics (formerly Invitae), Labcorp
Classification: Uncertain significance for Dyskeratosis congenita, autosomal recessive 5; Pulmonary fibrosis and/or bone marrow failure, Telomere-related, 3. Last evaluated: 2022-08-09. Review status: criteria provided, single submitter. Criteria: Invitae Variant Classification Sherloc (09022015). Collection method: clinical testing. Allele origin: germline.
Comment: Algorithms developed to predict the effect of missense changes on protein structure and function (SIFT, PolyPhen-2, Align-GVGD) all suggest that this variant is likely to be tolerated. This variant has not been reported in the literature in individuals affected with RTEL1-related conditions. This variant is not present in population databases (gnomAD no frequency). In summary, the available evidence is currently insufficient to determine the role of this variant in disease. Therefore, it has been classified as a Variant of Uncertain Significance. This sequence change replaces proline, which is neutral and non-polar, with arginine, which is basic and polar, at codon 1035 of the RTEL1 protein (p.Pro1035Arg).

NM_001283009.2(RTEL1):c.3104C>G (p.Pro1035Arg)

Genes: RTEL1 (regulator of telomere elongation helicase 1; plus strand), RTEL1-TNFRSF6B (RTEL1-TNFRSF6B readthrough (NMD candidate); plus strand). Cytogenetic location: 20q13.33.
Variant type: single nucleotide variant.
Coding change: c.3104C>G on transcript NM_001283009.2 (MANE Select); coding-DNA position 3104, C replaced by G.
Protein change: p.Pro1035Arg; replaces proline 1035 with arginine.
Molecular consequence: missense variant. On other transcripts: non-coding transcript variant (1).
Genome position (GRCh38, 1-based): chr20:63,694,483, C>G. VCF-style: chr20-63694483-C-G. GRCh37 (hg19) VCF-style: chr20-62325836-C-G.
Other names: c.2435C>G, p.Pro812Arg (NM_001283010.1); c.3104C>G, p.Pro1035Arg (NM_016434.4); c.3176C>G, p.Pro1059Arg (NM_032957.5); short protein forms P1035R, P1059R, P812R.
Identifiers: ClinVar variation 2193481 (VCV002193481.4), dbSNP rs768455817, ClinGen allele CA409684717.